The following is an entry in ClinVar:

NM_002582.4(PARN):c.520C>A (p.Pro174Thr)

Gene: PARN (poly(A)-specific ribonuclease; minus strand). Cytogenetic location: 16p13.12.
Variant type: single nucleotide variant.
Coding change: c.520C>A on transcript NM_002582.4 (MANE Select); coding-DNA position 520, C replaced by A.
Protein change: p.Pro174Thr; replaces proline 174 with threonine.
Molecular consequence: missense variant.
Genome position (GRCh38, 1-based): chr16:14,610,678, G>T on the plus strand (C>A on the coding strand, the complement: PARN is on the minus strand). VCF-style: chr16-14610678-G-T. GRCh37 (hg19) VCF-style: chr16-14704535-G-T.
Other names: c.337C>A, p.Pro113Thr (NM_001134477.3); c.382C>A, p.Pro128Thr (NM_001242992.2); short protein forms P113T, P174T, P128T.
Identifiers: ClinVar variation 2953466 (VCV002953466.3), dbSNP rs2508390647, ClinGen allele CA394810167.
Genomic context (GRCh38, chr16:14,610,678, plus strand): 5'-CGCTTAGTTTTAATTTAGGAACTTACACCACTTGGTCAATAAACTTCTTTTGATCCTCAG[G>T]AATCGTGACAGGACATTTTGAAGTGTTAGGAGATACATAGGACAGAGCTCCTGCACCATT-3'
Protein context (NP_002573.1, residues 164-184): PNTSKCPVTI[Pro174Thr]EDQKKFIDQV

ClinVar aggregate classification (germline): Uncertain significance (1 of 4 stars; one submission).

Conditions:
Dyskeratosis congenita, autosomal recessive 6 (DKCB6). Identifiers: MedGen C4225356, MONDO:0014600, OMIM 616353.
Pulmonary fibrosis and/or bone marrow failure, Telomere-related, 4. Also called: PULMONARY FIBROSIS AND/OR BONE MARROW FAILURE SYNDROME, TELOMERE-RELATED, 4. Identifiers: Orphanet 2032, MedGen C4225347, MONDO:0014612, OMIM 616371.

Submission:

Labcorp Genetics (formerly Invitae), Labcorp
Classification: Uncertain significance for Dyskeratosis congenita, autosomal recessive 6; Pulmonary fibrosis and/or bone marrow failure, Telomere-related, 4. Last evaluated: 2023-11-18. Review status: criteria provided, single submitter. Criteria: Invitae Variant Classification Sherloc (09022015). Collection method: clinical testing. Allele origin: germline.
Comment: This sequence change replaces proline, which is neutral and non-polar, with threonine, which is neutral and polar, at codon 174 of the PARN protein (p.Pro174Thr). This variant is not present in population databases (gnomAD no frequency). This variant has not been reported in the literature in individuals affected with PARN-related conditions. Advanced modeling of protein sequence and biophysical properties (such as structural, functional, and spatial information, amino acid conservation, physicochemical variation, residue mobility, and thermodynamic stability) performed at Invitae indicates that this missense variant is not expected to disrupt PARN protein function with a negative predictive value of 80%. In summary, the available evidence is currently insufficient to determine the role of this variant in disease. Therefore, it has been classified as a Variant of Uncertain Significance.